The following is an entry in ClinVar:

ClinVar aggregate classification (germline): Uncertain significance (1 of 4 stars; one submission).

Conditions:
Cardiovascular phenotype. Identifiers: MedGen CN230736.

Submission:

Ambry Genetics
Classification: Uncertain significance for Cardiovascular phenotype. Last evaluated: 2025-02-13. Review status: criteria provided, single submitter. Criteria: Ambry Variant Classification Scheme 2023. Collection method: clinical testing. Allele origin: germline.
Comment: The p.P1899T variant (also known as c.5695C>A), located in coding exon 37 of the RYR2 gene, results from a C to A substitution at nucleotide position 5695. The proline at codon 1899 is replaced by threonine, an amino acid with highly similar properties. This amino acid position is highly conserved in available vertebrate species. In addition, the in silico prediction for this alteration is inconclusive. Based on the available evidence, the clinical significance of this variant remains unclear.

NM_001035.3(RYR2):c.5695C>A (p.Pro1899Thr)

Gene: RYR2 (ryanodine receptor 2; plus strand). Cytogenetic location: 1q43.
Variant type: single nucleotide variant.
Coding change: c.5695C>A on transcript NM_001035.3 (MANE Select); coding-DNA position 5695, C replaced by A.
Protein change: p.Pro1899Thr; replaces proline 1899 with threonine.
Molecular consequence: missense variant.
Genome position (GRCh38, 1-based): chr1:237,614,823, C>A. VCF-style: chr1-237614823-C-A. GRCh37 (hg19) VCF-style: chr1-237778123-C-A.
Other names: short protein forms P1899T.
Identifiers: ClinVar variation 3791621 (VCV003791621.1).